The following is an entry in ClinVar:

ClinVar aggregate classification (germline): Uncertain significance (1 of 4 stars; one submission).

Conditions:
Vici syndrome (VICIS). Identifiers: Orphanet 1493, MedGen C1855772, MONDO:0009452, OMIM 242840.

Allele frequency attached by ClinVar (database versions not stated): gnomAD exomes below 0.00001; ExAC 0.00001.
gnomAD v4.1: 5 of 1,614,204 alleles (0.00031%); highest among the groups gnomAD compares: Middle Eastern, 0.016%; no homozygotes.

Submission:

Labcorp Genetics (formerly Invitae), Labcorp
Classification: Uncertain significance for Vici syndrome. Last evaluated: 2022-07-03. Review status: criteria provided, single submitter. Criteria: Invitae Variant Classification Sherloc (09022015). Collection method: clinical testing. Allele origin: germline.
Comment: This sequence change replaces isoleucine, which is neutral and non-polar, with threonine, which is neutral and polar, at codon 2187 of the EPG5 protein (p.Ile2187Thr). This variant is present in population databases (rs761443059, gnomAD 0.003%). This variant has not been reported in the literature in individuals affected with EPG5-related conditions. Algorithms developed to predict the effect of missense changes on protein structure and function are either unavailable or do not agree on the potential impact of this missense change (SIFT: "Deleterious"; PolyPhen-2: "Benign"; Align-GVGD: "Class C0"). In summary, the available evidence is currently insufficient to determine the role of this variant in disease. Therefore, it has been classified as a Variant of Uncertain Significance.

NM_020964.3(EPG5):c.6560T>C (p.Ile2187Thr)

Gene: EPG5 (ectopic P-granules 5 autophagy tethering factor; minus strand). Cytogenetic location: 18q12.3.
Variant type: single nucleotide variant.
Coding change: c.6560T>C on transcript NM_020964.3 (MANE Select); coding-DNA position 6560, T replaced by C.
Protein change: p.Ile2187Thr; replaces isoleucine 2187 with threonine.
Molecular consequence: missense variant.
Genome position (GRCh38, 1-based): chr18:45,866,859, A>G on the plus strand (T>C on the coding strand, the complement: EPG5 is on the minus strand). VCF-style: chr18-45866859-A-G. GRCh37 (hg19) VCF-style: chr18-43446824-A-G.
Other names: c.6560T>C, p.Ile2187Thr (NM_001410858.1); c.6557T>C, p.Ile2186Thr (NM_001410859.1); short protein forms I2187T, I2186T.
Identifiers: ClinVar variation 2063271 (VCV002063271.1), dbSNP rs761443059, ClinGen allele CA8948241.